The following is an entry in ClinVar:

NM_025114.4(CEP290):c.3903G>T (p.Met1301Ile)

Gene: CEP290 (centrosomal protein 290; minus strand). Cytogenetic location: 12q21.32.
Variant type: single nucleotide variant.
Coding change: c.3903G>T on transcript NM_025114.4 (MANE Select); coding-DNA position 3903, G replaced by T.
Protein change: p.Met1301Ile; replaces methionine 1301 with isoleucine.
Molecular consequence: missense variant.
Genome position (GRCh38, 1-based): chr12:88,089,158, C>A on the plus strand (G>T on the coding strand, the complement: CEP290 is on the minus strand). VCF-style: chr12-88089158-C-A. GRCh37 (hg19) VCF-style: chr12-88482935-C-A.
Other names: short protein forms M1301I.
Identifiers: ClinVar variation 3348445 (VCV003348445.1).

ClinVar aggregate classification (germline): Uncertain significance (0 of 4 stars; one submission).

Conditions:
CEP290-related disorder. Also called: CEP290-related condition; CEP290-related disorders. Identifiers: MedGen CN239314.

Submission:

PreventionGenetics, part of Exact Sciences
Classification: Uncertain significance for CEP290-related condition. Last evaluated: 2024-01-17. Review status: no assertion criteria provided. Collection method: clinical testing. Allele origin: germline.
Comment: The CEP290 c.3903G>T variant is predicted to result in the amino acid substitution p.Met1301Ile. To our knowledge, this variant has not been reported in the literature. This variant is reported in 0.00091% of alleles in individuals of European (Non-Finnish) descent in gnomAD. At this time, the clinical significance of this variant is uncertain due to the absence of conclusive functional and genetic evidence.